The following is an entry in ClinVar:

NM_006080.3(SEMA3A):c.2203C>G (p.Gln735Glu)

Gene: SEMA3A (semaphorin 3A; minus strand). Cytogenetic location: 7q21.11.
Variant type: single nucleotide variant.
Coding change: c.2203C>G on transcript NM_006080.3 (MANE Select); coding-DNA position 2203, C replaced by G.
Protein change: p.Gln735Glu; replaces glutamine 735 with glutamic acid.
Molecular consequence: missense variant.
Genome position (GRCh38, 1-based): chr7:83,961,484, G>C on the plus strand (C>G on the coding strand, the complement: SEMA3A is on the minus strand). VCF-style: chr7-83961484-G-C. GRCh37 (hg19) VCF-style: chr7-83590800-G-C.
Other names: short protein forms Q735E.
Identifiers: ClinVar variation 4996730 (VCV004996730.1).

ClinVar aggregate classification (germline): Uncertain significance (1 of 4 stars; one submission).

Conditions:
SEMA3A-related disorder. Also called: SEMA3A-related condition.

Submission:

PreventionGenetics, part of Exact Sciences
Classification: Uncertain significance for SEMA3A-related condition. Last evaluated: 2024-10-26. Review status: criteria provided, single submitter. Criteria: ACMG Guidelines, 2015. Collection method: clinical testing. Allele origin: germline.
Comment: The SEMA3A c.2203C>G variant is predicted to result in the amino acid substitution p.Gln735Glu. To our knowledge, this variant has not been reported in the literature or in a large population database (gnomAD), indicating this variant is rare. At this time, the clinical significance of this variant is uncertain due to the absence of conclusive functional and genetic evidence.